The following is an entry in ClinVar:

NM_006393.3(NEBL):c.626C>T (p.Ala209Val)

Gene: NEBL (nebulette; minus strand). Cytogenetic location: 10p12.31.
Variant type: single nucleotide variant.
Coding change: c.626C>T on transcript NM_006393.3 (MANE Select); coding-DNA position 626, C replaced by T.
Protein change: p.Ala209Val; replaces alanine 209 with valine.
Molecular consequence: missense variant. On other transcripts: intron variant (9).
Genome position (GRCh38, 1-based): chr10:20,868,722, G>A on the plus strand (C>T on the coding strand, the complement: NEBL is on the minus strand). VCF-style: chr10-20868722-G-A. GRCh37 (hg19) VCF-style: chr10-21157651-G-A.
Other names: c.250-55782C>T (NM_001377326.1, NM_001377327.1, NM_001377328.1); c.358-55782C>T (NM_213569.2, NM_001173484.2, NM_001377322.1); c.301-55782C>T (NM_001377324.1); c.292-55782C>T (NM_001377325.1); c.310-55782C>T (NM_001377323.1); short protein forms A209V.
Identifiers: ClinVar variation 4860801 (VCV004860801.1).

ClinVar aggregate classification (germline): Uncertain significance (1 of 4 stars; one submission).

gnomAD v4.1: 1 of 1,612,728 alleles (0.000062%); highest among the groups gnomAD compares: Non-Finnish European, 0.000085%; no homozygotes.

Submission:

Ambry Genetics
Classification: Uncertain significance. Last evaluated: 2026-05-23. Review status: criteria provided, single submitter. Criteria: Ambry Variant Classification Scheme 2023. Collection method: clinical testing. Allele origin: germline.
Comment: The p.A209V variant (also known as c.626C>T), located in coding exon 7 of the NEBL gene, results from a C to T substitution at nucleotide position 626. The alanine at codon 209 is replaced by valine, an amino acid with similar properties. This amino acid position is conserved. In addition, this alteration is predicted to be tolerated by in silico analysis. Based on the available evidence, the clinical significance of this variant remains unclear.